The following is an entry in ClinVar:

ClinVar aggregate classification (germline): Uncertain significance (1 of 4 stars; one submission).

Submission:

GeneDx
Classification: Uncertain significance. Last evaluated: 2023-06-27. Review status: criteria provided, single submitter. Criteria: GeneDx Variant Classification Process June 2021. Collection method: clinical testing. Allele origin: germline. Affected: yes.
Comment: Not observed at significant frequency in large population cohorts (gnomAD); Canonical splice site variant in a gene for which loss-of-function is not an established mechanism of disease.; Has not been previously published as pathogenic or benign to our knowledge

NM_021072.4(HCN1):c.1378-1G>A

Gene: HCN1 (hyperpolarization activated cyclic nucleotide gated potassium channel 1; minus strand). Cytogenetic location: 5p12.
Variant type: single nucleotide variant.
Coding change: c.1378-1G>A on transcript NM_021072.4 (MANE Select); the canonical splice acceptor site of the intron before coding-DNA position 1378, G replaced by A.
Molecular consequence: splice acceptor variant.
Genome position (GRCh38, 1-based): chr5:45,303,840, C>T on the plus strand (G>A on the coding strand, the complement: HCN1 is on the minus strand). VCF-style: chr5-45303840-C-T. GRCh37 (hg19) VCF-style: chr5-45303942-C-T.
Identifiers: ClinVar variation 3360595 (VCV003360595.1).